The following is an entry in ClinVar:

NM_000037.4(ANK1):c.1405-2A>G

Gene: ANK1 (ankyrin 1; minus strand). Cytogenetic location: 8p11.21.
Variant type: single nucleotide variant.
Coding change: c.1405-2A>G on transcript NM_000037.4 (MANE Select); the canonical splice acceptor site of the intron before coding-DNA position 1405, A replaced by G.
Molecular consequence: splice acceptor variant.
Genome position (GRCh38, 1-based): chr8:41,715,851, T>C on the plus strand (A>G on the coding strand, the complement: ANK1 is on the minus strand). VCF-style: chr8-41715851-T-C. GRCh37 (hg19) VCF-style: chr8-41573369-T-C.
Other names: c.1504-2A>G (NM_001142446.2); c.1405-2A>G (NM_020477.3, NM_020475.3, NM_020476.3).
Identifiers: ClinVar variation 956904 (VCV000956904.7), dbSNP rs1264533950, ClinGen allele CA371070542.
Genomic context (GRCh38, chr8:41,715,851, plus strand): 5'-AGCTTCACCATGTTTGTGTGGCCGATGCGAGCTGCACAGTGAAGTGGGGTCTGGTCATCC[T>C]GGACCCCGAAGGGAAAACAAAGAAGAAGAAACGCTAATGTTACCAAATCCAACTTTTCAT-3'

ClinVar aggregate classification (germline): Likely pathogenic (1 of 4 stars; one submission).

Allele frequency attached by ClinVar (database versions not stated): TOPMed 0.00001; gnomAD 0.00002.
gnomAD v4.1: 5 of 1,614,086 alleles (0.00031%); highest among the groups gnomAD compares: African/African-American, 0.0013%; no homozygotes.

Submission:

Labcorp Genetics (formerly Invitae), Labcorp
Classification: Likely pathogenic. Last evaluated: 2019-10-11. Review status: criteria provided, single submitter. Criteria: Invitae Variant Classification Sherloc (09022015). Collection method: clinical testing. Allele origin: germline.
Comment: This sequence change affects an acceptor splice site in intron 13 of the ANK1 gene. It is expected to disrupt RNA splicing and likely results in an absent or disrupted protein product. This variant is not present in population databases (ExAC no frequency). This variant has not been reported in the literature in individuals with ANK1-related conditions. Donor and acceptor splice site variants typically lead to a loss of protein function (PMID: 16199547), and loss-of-function variants in ANK1 are known to be pathogenic (PMID: 8640229). In summary, the currently available evidence indicates that the variant is pathogenic, but additional data are needed to prove that conclusively. Therefore, this variant has been classified as Likely Pathogenic.

Literature cited by the submitters: PubMed 16199547; PubMed 8640229.